The following is an entry in ClinVar:

ClinVar aggregate classification (germline): Uncertain significance (1 of 4 stars; one submission).

Conditions:
Developmental and epileptic encephalopathy, 9 (DEE9). Also called: Early infantile epileptic encephalopathy 9; JUBERG-HELLMAN SYNDROME; PCDH19-Related X-Linked Female-Limited Epilepsy with Mental Retardation; EPILEPSY, FEMALE-RESTRICTED, WITH MENTAL RETARDATION. Identifiers: Orphanet 101039, Orphanet 2076, MedGen C1848137, MONDO:0010246, OMIM 300088. Disease mechanism: loss of function.

Submission:

Labcorp Genetics (formerly Invitae), Labcorp
Classification: Uncertain significance for Developmental and epileptic encephalopathy, 9. Last evaluated: 2022-12-03. Review status: criteria provided, single submitter. Criteria: Invitae Variant Classification Sherloc (09022015). Collection method: clinical testing. Allele origin: germline.
Comment: In summary, the available evidence is currently insufficient to determine the role of this variant in disease. Therefore, it has been classified as a Variant of Uncertain Significance. Advanced modeling of protein sequence and biophysical properties (such as structural, functional, and spatial information, amino acid conservation, physicochemical variation, residue mobility, and thermodynamic stability) performed at Invitae indicates that this missense variant is not expected to disrupt PCDH19 protein function. This variant has not been reported in the literature in individuals affected with PCDH19-related conditions. This variant is not present in population databases (gnomAD no frequency). This sequence change replaces leucine, which is neutral and non-polar, with isoleucine, which is neutral and non-polar, at codon 71 of the PCDH19 protein (p.Leu71Ile).

NM_001184880.2(PCDH19):c.211C>A (p.Leu71Ile)

Gene: PCDH19 (protocadherin 19; minus strand). Cytogenetic location: Xq22.1.
Variant type: single nucleotide variant.
Coding change: c.211C>A on transcript NM_001184880.2 (MANE Select); coding-DNA position 211, C replaced by A.
Protein change: p.Leu71Ile; replaces leucine 71 with isoleucine.
Molecular consequence: missense variant.
Genome position (GRCh38, 1-based): chrX:100,408,387, G>T on the plus strand (C>A on the coding strand, the complement: PCDH19 is on the minus strand). VCF-style: chrX-100408387-G-T. GRCh37 (hg19) VCF-style: chrX-99663385-G-T.
Other names: c.211C>A, p.Leu71Ile (NM_001105243.2, NM_020766.3); short protein forms L71I.
Identifiers: ClinVar variation 2818097 (VCV002818097.3), dbSNP rs2520997105, ClinGen allele CA414011148.